The following is an entry in ClinVar:

NM_022080.3(NAPB):c.173G>A (p.Trp58Ter)

Gene: NAPB (NSF attachment protein beta; minus strand). Cytogenetic location: 20p11.21.
Variant type: single nucleotide variant.
Coding change: c.173G>A on transcript NM_022080.3 (MANE Select); coding-DNA position 173, G replaced by A.
Protein change: p.Trp58Ter; replaces tryptophan 58 with a stop codon.
Molecular consequence: nonsense. On other transcripts: 5 prime UTR variant (1), non-coding transcript variant (1).
Genome position (GRCh38, 1-based): chr20:23,402,998, C>T on the plus strand (G>A on the coding strand, the complement: NAPB is on the minus strand). VCF-style: chr20-23402998-C-T. GRCh37 (hg19) VCF-style: chr20-23383635-C-T.
Other names: c.173G>A, p.Trp58Ter (NM_001283018.2, NM_001283020.2); c.-63G>A (NM_001283026.2); short protein forms W58*.
Identifiers: ClinVar variation 984717 (VCV000984717.3), dbSNP rs1984959750, ClinGen allele CA408421250.
Genomic context (GRCh38, chr20:23,402,998, plus strand): 5'-TTCAAAGTGATTTTAAACCATTTGCCTAAAAAGCAAACAAAAACTTTGTACATACCACTC[C>T]AATTTTTAGCCATCTTGAACATATTTGCAGCTCTGGTATACATTTCACAAGCCTCTTCTA-3'

ClinVar aggregate classification (germline): Pathogenic. Review status: criteria provided, single submitter (1 of 4 stars). 2 submissions from 2 submitters: Pathogenic (1). 1 of the submissions does not count toward it. Last evaluated 2023-05-08.

Conditions:
Developmental and epileptic encephalopathy-107 (DEE107). Identifiers: MedGen C5774215, MONDO:0031055, OMIM 620033.

Submissions (2):

Institute of Human Genetics, University of Leipzig Medical Center
Classification: Pathogenic for Developmental and epileptic encephalopathy-107. Last evaluated: 2023-05-08. Review status: criteria provided, single submitter. Criteria: ACMG Guidelines, 2015. Collection method: clinical testing. Allele origin: biparental. Affected: yes.
Comment: Review of the variants reported in Reuter et al., 2017, PMID: 28097321: PVS1,PM2,PM3_Supporting

OMIM
Classification: Pathogenic for DEVELOPMENTAL AND EPILEPTIC ENCEPHALOPATHY 107. Last evaluated: 2022-09-13. Review status: no assertion criteria provided. Collection method: literature only. Allele origin: germline. Not counted in ClinVar's aggregate classification.

Literature cited by the submitters: PubMed 28097321 (cited by OMIM).